The following is an entry in ClinVar:

NM_178170.3(NEK8):c.1177A>G (p.Ile393Val)

Gene: NEK8 (NIMA related kinase 8; plus strand). Cytogenetic location: 17q11.2.
Variant type: single nucleotide variant.
Coding change: c.1177A>G on transcript NM_178170.3 (MANE Select); coding-DNA position 1177, A replaced by G.
Protein change: p.Ile393Val; replaces isoleucine 393 with valine.
Molecular consequence: missense variant.
Genome position (GRCh38, 1-based): chr17:28,738,200, A>G. VCF-style: chr17-28738200-A-G. GRCh37 (hg19) VCF-style: chr17-27065218-A-G.
Other names: short protein forms I393V.
Identifiers: ClinVar variation 946930 (VCV000946930.8), dbSNP rs371406871, ClinGen allele CA8467329.

ClinVar aggregate classification (germline): Uncertain significance. Review status: criteria provided, multiple submitters, no conflicts (2 of 4 stars). 3 submissions from 3 submitters: Uncertain significance (3). Last evaluated 2026-06-22.

Conditions:
NEK8-related disorder. Also called: NEK8-related condition.
Inborn genetic diseases. Identifiers: MedGen C0950123, MeSH D030342.
Nephronophthisis 9 (NPHP9). Identifiers: Orphanet 655, MedGen C3151188, MONDO:0013444, OMIM 613824.

Allele frequency attached by ClinVar (database versions not stated): TOPMed 0.00001; ExAC 0.00002; gnomAD 0.00002; gnomAD exomes 0.00002; ESP Exome Variant Server 0.00015.
gnomAD v4.1: 28 of 1,613,998 alleles (0.0017%); highest among the groups gnomAD compares: Non-Finnish European, 0.0021%; no homozygotes.

Submissions (3):

PreventionGenetics, part of Exact Sciences
Classification: Uncertain significance for NEK8-related condition. Last evaluated: 2026-06-22. Review status: criteria provided, single submitter. Criteria: ACMG Guidelines, 2015. Collection method: clinical testing. Allele origin: germline.
Comment: The NEK8 c.1177A>G variant is predicted to result in the amino acid substitution p.Ile393Val. To our knowledge, this variant has not been reported in the literature. This variant is reported in 0.0040% of alleles in individuals of African descent in gnomAD. At this time, the clinical significance of this variant is uncertain due to the absence of conclusive functional and genetic evidence.

Ambry Genetics
Classification: Uncertain significance for Inborn genetic diseases. Last evaluated: 2025-08-09. Review status: criteria provided, single submitter. Criteria: Ambry Variant Classification Scheme 2023. Collection method: clinical testing. Allele origin: germline.

Labcorp Genetics (formerly Invitae), Labcorp
Classification: Uncertain significance for Nephronophthisis 9. Last evaluated: 2019-06-13. Review status: criteria provided, single submitter. Criteria: Invitae Variant Classification Sherloc (09022015). Collection method: clinical testing. Allele origin: germline.
Comment: In summary, the available evidence is currently insufficient to determine the role of this variant in disease. Therefore, it has been classified as a Variant of Uncertain Significance. Algorithms developed to predict the effect of missense changes on protein structure and function are either unavailable or do not agree on the potential impact of this missense change (SIFT: "Deleterious"; PolyPhen-2: "Benign"; Align-GVGD: "Class C25"). This variant has not been reported in the literature in individuals with NEK8-related conditions. This variant is present in population databases (rs371406871, ExAC 0.01%). This sequence change replaces isoleucine with valine at codon 393 of the NEK8 protein (p.Ile393Val). The isoleucine residue is highly conserved and there is a small physicochemical difference between isoleucine and valine.